The following is an entry in ClinVar:

ClinVar aggregate classification (germline): Uncertain significance (1 of 4 stars; one submission).

Conditions:
Inborn genetic diseases. Identifiers: MedGen C0950123, MeSH D030342.

Allele frequency attached by ClinVar (database versions not stated): gnomAD exomes 0.00001; gnomAD 0.00003; TOPMed 0.00007.
gnomAD v4.1: 16 of 1,579,382 alleles (0.001%); highest among the groups gnomAD compares: Middle Eastern, 0.034%; no homozygotes.

Submissions (2):

Ambry Genetics
Classification: Uncertain significance for Inborn genetic diseases. Last evaluated: 2022-07-06. Review status: criteria provided, single submitter. Criteria: Ambry Variant Classification Scheme 2023. Collection method: clinical testing. Allele origin: germline.
Comment: The c.585+5G>A intronic alteration consists of a G to A substitution nucleotides after coding exon 8 in the NUP188 gene. Based on insufficient or conflicting evidence, the clinical significance of this alteration remains unclear.

Dr. Peter K. Rogan Lab, Western University
No classification provided (evidence only). Condition: Cervical cancer. Review status: no classification provided. Collection method: in vitro. Allele origin: not applicable. Functional consequence: skipped exon. Not counted in ClinVar's aggregate classification.

NM_015354.3(NUP188):c.585+5G>A

Gene: NUP188 (nucleoporin 188; plus strand). Cytogenetic location: 9q34.11.
Variant type: single nucleotide variant.
Coding change: c.585+5G>A on transcript NM_015354.3 (MANE Select); 5 bases into the intron after coding-DNA position 585, G replaced by A.
Molecular consequence: intron variant.
Genome position (GRCh38, 1-based): chr9:128,959,139, G>A. VCF-style: chr9-128959139-G-A. GRCh37 (hg19) VCF-style: chr9-131721418-G-A.
Other names: NC_000009.11:g.131721418G>A.
Identifiers: ClinVar variation 2288641 (VCV002288641.3), dbSNP rs1242705917, ClinGen allele CA590662440.